The following is an entry in ClinVar:

NM_001845.6(COL4A1):c.477A>T (p.Pro159=)

Gene: COL4A1 (collagen type IV alpha 1 chain; minus strand). Cytogenetic location: 13q34.
Variant type: single nucleotide variant.
Coding change: c.477A>T on transcript NM_001845.6 (MANE Select); coding-DNA position 477, A replaced by T.
Protein change: p.Pro159=; no amino-acid change (proline 159 retained).
Molecular consequence: synonymous variant.
Genome position (GRCh38, 1-based): chr13:110,210,204, T>A on the plus strand (A>T on the coding strand, the complement: COL4A1 is on the minus strand). VCF-style: chr13-110210204-T-A. GRCh37 (hg19) VCF-style: chr13-110862551-T-A.
Other names: p.Pro159=; c.477A>T, p.Pro159= (NM_001303110.2).
Identifiers: ClinVar variation 784913 (VCV000784913.13), dbSNP rs141067230, ClinGen allele CA7048480.

ClinVar aggregate classification (germline): Likely benign. Review status: criteria provided, multiple submitters, no conflicts (2 of 4 stars). 4 submissions from 4 submitters: Likely benign (3). 1 of the submissions does not count toward it. Last evaluated 2026-02-04.

Conditions:
Hemorrhage, intracerebral, susceptibility to (ICH). Also called: Stroke, hemorrhagic, susceptibility to. Identifiers: MedGen C3281105, MONDO:0100533, OMIM 614519.
Brain small vessel disease 1 with or without ocular anomalies (BSVD1). Also called: PORENCEPHALY, TYPE 1, AUTOSOMAL DOMINANT; Brain small vessel disease with or without ocular anomalies; BRAIN SMALL VESSEL DISEASE WITH HEMORRHAGE; GOULD SYNDROME 1. Identifiers: Orphanet 2940, Orphanet 36383, Orphanet 99810, MedGen C4755307, MONDO:0008289, OMIM 175780.
Retinal arterial tortuosity. Also called: RETINAL HEMORRHAGE WITH VASCULAR TORTUOSITY; Retinal arteries, tortuosity of. Identifiers: Orphanet 75326, MedGen C0423401, MONDO:0008373, OMIM 180000, HP:0000631.
Autosomal dominant familial hematuria-retinal arteriolar tortuosity-contractures syndrome. Also called: Angiopathy, hereditary, with nephropathy, aneurysms, and muscle cramps; Hereditary Angiopathy with Nephropathy, Aneurysms, and Muscle Cramps (HANAC) Syndrome. Identifiers: Orphanet 73229, MedGen C2673195, MONDO:0012726, OMIM 611773.
Microangiopathy and leukoencephalopathy, pontine, autosomal dominant. Also called: DEMENTIA, HEREDITARY MULTI-INFARCT, SWEDISH TYPE; Pontine autosomal dominant microangiopathy with leukoencephalopathy. Identifiers: Orphanet 477749, MedGen C5231411, MONDO:0032814, OMIM 618564.
COL4A1-related disorder. Also called: COL4A1-related condition; COL4A1-related disorders. Identifiers: MedGen CN376119, MONDO:0800461.

Allele frequency attached by ClinVar (database versions not stated): gnomAD exomes 0.00006; ExAC 0.00011; TOPMed 0.00025; gnomAD 0.00027 and 0.00029; ESP Exome Variant Server 0.00038; 1000 Genomes Project 0.00040; 1000 Genomes Project 30x 0.00062.
gnomAD v4.1: 71 of 1,613,602 alleles (0.0044%); highest among the groups gnomAD compares: African/African-American, 0.081%; no homozygotes.

Submissions (4):

Labcorp Genetics (formerly Invitae), Labcorp
Classification: Likely benign. Last evaluated: 2026-02-04. Review status: criteria provided, single submitter. Criteria: Invitae Variant Classification Sherloc (09022015). Collection method: clinical testing. Allele origin: germline.

Mayo Clinic Laboratories, Mayo Clinic
Classification: Likely benign. Last evaluated: 2025-09-30. Review status: criteria provided, single submitter. Criteria: ACMG Guidelines, 2015. Collection method: clinical testing. Allele origin: germline. Observed: 1 variant allele.
Comment: BS1, BP4, BP7

Fulgent Genetics
Classification: Likely benign for Brain small vessel disease 1 with or without ocular anomalies; Retinal arterial tortuosity; Autosomal dominant familial hematuria-retinal arteriolar tortuosity-contractures syndrome; Hemorrhage, intracerebral, susceptibility to; Microangiopathy and leukoencephalopathy, pontine, autosomal dominant. Last evaluated: 2022-04-28. Review status: criteria provided, single submitter. Criteria: ACMG Guidelines, 2015. Collection method: clinical testing. Allele origin: unknown.

PreventionGenetics, part of Exact Sciences
Classification: Likely benign for COL4A1-related condition. Last evaluated: 2023-08-25. Review status: no assertion criteria provided. Collection method: clinical testing. Allele origin: germline. Not counted in ClinVar's aggregate classification.
Comment: This variant is classified as likely benign based on ACMG/AMP sequence variant interpretation guidelines (Richards et al. 2015 PMID: 25741868, with internal and published modifications).